The following is an entry in ClinVar:

ClinVar aggregate classification (germline): Benign. Review status: criteria provided, multiple submitters, no conflicts (2 of 4 stars). 3 submissions from 3 submitters: Benign (2). 1 of the submissions does not count toward it. Last evaluated 2019-12-31.

Conditions:
DNHD1-related disorder. Also called: DNHD1-related condition.

Allele frequency attached by ClinVar (database versions not stated): ExAC 0.00359; gnomAD 0.00647 and 0.00604; 1000 Genomes Project 0.00459; ESP Exome Variant Server 0.00591; gnomAD exomes 0.00083 and 0.00200; TOPMed 0.00769; 1000 Genomes Project 30x 0.00500.
gnomAD v4.1: 2,145 of 1,551,792 alleles (0.14%); highest among the groups gnomAD compares: African/African-American, 1.8%; 19 homozygotes.

Submissions (3):

Labcorp Genetics (formerly Invitae), Labcorp
Classification: Benign. Last evaluated: 2019-12-31. Review status: criteria provided, single submitter. Criteria: Invitae Variant Classification Sherloc (09022015). Collection method: clinical testing. Allele origin: germline.

Breakthrough Genomics
Classification: Benign. Review status: criteria provided, single submitter. Criteria: ACMG Guidelines, 2015. Collection method: not provided. Allele origin: germline. Inheritance: Autosomal recessive inheritance. Affected: yes.

PreventionGenetics, part of Exact Sciences
Classification: Benign for DNHD1-related condition. Last evaluated: 2019-11-25. Review status: no assertion criteria provided. Collection method: clinical testing. Allele origin: germline. Not counted in ClinVar's aggregate classification.
Comment: This variant is classified as benign based on ACMG/AMP sequence variant interpretation guidelines (Richards et al. 2015 PMID: 25741868, with internal and published modifications).

NM_144666.3(DNHD1):c.5657G>A (p.Arg1886Gln)

Gene: DNHD1 (dynein heavy chain domain 1; plus strand). Cytogenetic location: 11p15.4.
Variant type: single nucleotide variant.
Coding change: c.5657G>A on transcript NM_144666.3 (MANE Select); coding-DNA position 5657, G replaced by A.
Protein change: p.Arg1886Gln; replaces arginine 1886 with glutamine.
Molecular consequence: missense variant.
Genome position (GRCh38, 1-based): chr11:6,546,596, G>A. VCF-style: chr11-6546596-G-A. GRCh37 (hg19) VCF-style: chr11-6567826-G-A.
Other names: short protein forms R1886Q.
Identifiers: ClinVar variation 786586 (VCV000786586.7), dbSNP rs147597453, ClinGen allele CA5856063.